The following is an entry in ClinVar:

ClinVar aggregate classification (germline): Benign (1 of 4 stars; one submission).

Allele frequency attached by ClinVar (database versions not stated): 1000 Genomes Project 30x 0.21049; 1000 Genomes Project 0.21605; TOPMed 0.24842; gnomAD 0.25870 and 0.25959.
gnomAD v4.1: 39,585 of 151,800 alleles (26%); highest among the groups gnomAD compares: Non-Finnish European, 34%; 5,854 homozygotes.

Submission:

GeneDx
Classification: Benign. Last evaluated: 2018-06-19. Review status: criteria provided, single submitter. Criteria: GeneDx Variant Classification (06012015). Collection method: clinical testing. Allele origin: germline. Affected: yes.
Comment: This variant is considered likely benign or benign based on one or more of the following criteria: it is a conservative change, it occurs at a poorly conserved position in the protein, it is predicted to be benign by multiple in silico algorithms, and/or has population frequency not consistent with disease.

NM_001165963.4(SCN1A):c.474-310A>G

Gene: SCN1A (sodium voltage-gated channel alpha subunit 1; minus strand). Cytogenetic location: 2q24.3.
Variant type: single nucleotide variant.
Coding change: c.474-310A>G on transcript NM_001165963.4 (MANE Select); 310 bases into the intron before coding-DNA position 474, A replaced by G.
Molecular consequence: intron variant.
Genome position (GRCh38, 1-based): chr2:166,055,076, T>C on the plus strand (A>G on the coding strand, the complement: SCN1A is on the minus strand). VCF-style: chr2-166055076-T-C. GRCh37 (hg19) VCF-style: chr2-166911586-T-C.
Other names: c.474-310A>G (NM_001353949.2, NM_001353958.2, NM_001353950.2 and 10 more transcripts); c.-1952-310A>G (NM_001353961.2).
Identifiers: ClinVar variation 668972 (VCV000668972.1), dbSNP rs1541783, ClinGen allele CA59803271.